The following is an entry in ClinVar:

ClinVar aggregate classification (germline): Uncertain significance. Review status: criteria provided, multiple submitters, no conflicts (2 of 4 stars). 2 submissions from 2 submitters: Uncertain significance (2). Last evaluated 2025-07-18.

Conditions:
Inborn genetic diseases. Identifiers: MedGen C0950123, MeSH D030342.
Parkinson disease 17 (PARK17). Also called: VPS35-Related Parkinson Disease. Identifiers: Orphanet 411602, MedGen C3280133, MONDO:0013625, OMIM 614203.

gnomAD v4.1: 6 of 1,612,558 alleles (0.00037%); highest among the groups gnomAD compares: African/African-American, 0.0053%; no homozygotes.

Submissions (2):

Labcorp Genetics (formerly Invitae), Labcorp
Classification: Uncertain significance for Parkinson disease 17. Last evaluated: 2025-07-18. Review status: criteria provided, single submitter. Criteria: Invitae Variant Classification Sherloc (09022015). Collection method: clinical testing. Allele origin: germline.
Comment: This sequence change replaces valine, which is neutral and non-polar, with isoleucine, which is neutral and non-polar, at codon 394 of the VPS35 protein (p.Val394Ile). This variant is present in population databases (rs754137147, gnomAD 0.01%). This variant has not been reported in the literature in individuals affected with VPS35-related conditions. Invitae Evidence Modeling of protein sequence and biophysical properties (such as structural, functional, and spatial information, amino acid conservation, physicochemical variation, residue mobility, and thermodynamic stability) indicates that this missense variant is not expected to disrupt VPS35 protein function with a negative predictive value of 80%. In summary, the available evidence is currently insufficient to determine the role of this variant in disease. Therefore, it has been classified as a Variant of Uncertain Significance.

Ambry Genetics
Classification: Uncertain significance for Inborn genetic diseases. Last evaluated: 2025-04-13. Review status: criteria provided, single submitter. Criteria: Ambry Variant Classification Scheme 2023. Collection method: clinical testing. Allele origin: germline.

NM_018206.6(VPS35):c.1180G>A (p.Val394Ile)

Gene: VPS35 (VPS35 retromer complex component; minus strand). Cytogenetic location: 16q11.2.
Variant type: single nucleotide variant.
Coding change: c.1180G>A on transcript NM_018206.6 (MANE Select); coding-DNA position 1180, G replaced by A.
Protein change: p.Val394Ile; replaces valine 394 with isoleucine.
Molecular consequence: missense variant.
Genome position (GRCh38, 1-based): chr16:46,672,453, C>T on the plus strand (G>A on the coding strand, the complement: VPS35 is on the minus strand). VCF-style: chr16-46672453-C-T. GRCh37 (hg19) VCF-style: chr16-46706365-C-T.
Other names: short protein forms V394I.
Identifiers: ClinVar variation 3980056 (VCV003980056.2).